The following is an entry in ClinVar:

ClinVar aggregate classification (germline): Uncertain significance (1 of 4 stars; one submission).

Conditions:
Hereditary cancer-predisposing syndrome. Also called: Tumor predisposition; Hereditary Cancer Syndrome; Hereditary neoplastic syndrome; Neoplastic Syndromes, Hereditary. Identifiers: Orphanet 140162, MedGen C0027672, MeSH D009386, MONDO:0015356.

Submission:

Ambry Genetics
Classification: Uncertain significance for Hereditary cancer-predisposing syndrome. Last evaluated: 2025-11-02. Review status: criteria provided, single submitter. Criteria: Ambry Variant Classification Scheme 2023. Collection method: clinical testing. Allele origin: germline.
Comment: The p.P732L variant (also known as c.2195C>T), located in coding exon 21 of the RB1 gene, results from a C to T substitution at nucleotide position 2195. The proline at codon 732 is replaced by leucine, an amino acid with similar properties. This amino acid position is conserved. In addition, this alteration is predicted to be deleterious by in silico analysis. Based on the available evidence, the clinical significance of this variant remains unclear.

NM_000321.3(RB1):c.2195C>T (p.Pro732Leu)

Gene: RB1 (RB transcriptional corepressor 1; plus strand). Cytogenetic location: 13q14.2.
Variant type: single nucleotide variant.
Coding change: c.2195C>T on transcript NM_000321.3 (MANE Select); coding-DNA position 2195, C replaced by T.
Protein change: p.Pro732Leu; replaces proline 732 with leucine.
Molecular consequence: missense variant.
Genome position (GRCh38, 1-based): chr13:48,463,819, C>T. VCF-style: chr13-48463819-C-T. GRCh37 (hg19) VCF-style: chr13-49037955-C-T.
Other names: c.2195C>T, p.Pro732Leu (NM_001407165.1); short protein forms P732L.
Identifiers: ClinVar variation 4544152 (VCV004544152.1).